The following is an entry in ClinVar:

ClinVar aggregate classification (germline): Uncertain significance. Review status: criteria provided, multiple submitters, no conflicts (2 of 4 stars). 3 submissions from 3 submitters: Uncertain significance (3). Last evaluated 2024-08-06.

Conditions:
Congenital stationary night blindness 1B. Also called: NIGHT BLINDNESS, CONGENITAL STATIONARY, COMPLETE, AUTOSOMAL RECESSIVE; Night blindness, congenital stationary (complete), 1B, autosomal recessive. Identifiers: Orphanet 215, MedGen C1850362, MONDO:0009758, OMIM 257270.

Allele frequency attached by ClinVar (database versions not stated): gnomAD 0.00002 and 0.00003; ExAC 0.00004; TOPMed 0.00004; gnomAD exomes 0.00006.
gnomAD v4.1: 132 of 1,613,960 alleles (0.0082%); highest among the groups gnomAD compares: Non-Finnish European, 0.0087%; no homozygotes.

Submissions (3):

Blueprint Genetics
Classification: Uncertain significance. Last evaluated: 2024-08-06. Review status: criteria provided, single submitter. Criteria: ACMG Guidelines, 2015. Collection method: clinical testing. Allele origin: germline.

Labcorp Genetics (formerly Invitae), Labcorp
Classification: Uncertain significance. Last evaluated: 2022-10-18. Review status: criteria provided, single submitter. Criteria: Invitae Variant Classification Sherloc (09022015). Collection method: clinical testing. Allele origin: germline.
Comment: This sequence change replaces serine, which is neutral and polar, with leucine, which is neutral and non-polar, at codon 747 of the GRM6 protein (p.Ser747Leu). This variant is present in population databases (rs759761288, gnomAD 0.05%). This missense change has been observed in individual(s) with retinitis pigmentosa (PMID: 26667666). ClinVar contains an entry for this variant (Variation ID: 957582). Advanced modeling of protein sequence and biophysical properties (such as structural, functional, and spatial information, amino acid conservation, physicochemical variation, residue mobility, and thermodynamic stability) performed at Invitae indicates that this missense variant is not expected to disrupt GRM6 protein function. In summary, the available evidence is currently insufficient to determine the role of this variant in disease. Therefore, it has been classified as a Variant of Uncertain Significance.

Ocular Genomics Institute, Massachusetts Eye and Ear
Classification: Uncertain significance for Congenital stationary night blindness 1B. Last evaluated: 2021-04-08. Review status: criteria provided, single submitter. Criteria: ACMG Guidelines, 2015. Collection method: research. Allele origin: germline. Affected: yes.
Comment: Through a review of available evidence we were able to apply the following criteria: PM2, PP3. Based on this evidence we have classified this variant as Variant of Uncertain Significance.

Literature cited by the submitters: PubMed 26667666 (cited by Labcorp Genetics (formerly Invitae), Labcorp and Ocular Genomics Institute, Massachusetts Eye and Ear).

NM_000843.4(GRM6):c.2240C>T (p.Ser747Leu)

Genes: GRM6 (glutamate metabotropic receptor 6; minus strand), ZNF454 (zinc finger protein 454; plus strand). Cytogenetic location: 5q35.3.
Variant type: single nucleotide variant.
Coding change: c.2240C>T on transcript NM_000843.4 (MANE Select); coding-DNA position 2240, C replaced by T.
Protein change: p.Ser747Leu; replaces serine 747 with leucine.
Molecular consequence: missense variant.
Genome position (GRCh38, 1-based): chr5:178,983,106, G>A on the plus strand (C>T on the coding strand, the complement: GRM6 is on the minus strand). VCF-style: chr5-178983106-G-A. GRCh37 (hg19) VCF-style: chr5-178410107-G-A.
Other names: short protein forms S747L.
Identifiers: ClinVar variation 957582 (VCV000957582.9), dbSNP rs759761288, ClinGen allele CA3593589.